The following is an entry in ClinVar:

ClinVar aggregate classification (germline): Uncertain significance (1 of 4 stars; one submission).

Conditions:
Developmental and epileptic encephalopathy, 31A. Also called: Epileptic encephalopathy, early infantile, 31; Developmental and epileptic encephalopathy, 31. Identifiers: Orphanet 2382, MedGen C4225357, MONDO:0014598, OMIM 616346.

Submission:

MVZ Medizinische Genetik Mainz
Classification: Uncertain significance for Developmental and epileptic encephalopathy, 31A. Last evaluated: 2026-04-28. Review status: criteria provided, single submitter. Criteria: UK Practice Guidelines For Variant Classification V4 01 2020. Collection method: clinical testing. Allele origin: germline. Inheritance: Autosomal dominant inheritance. Affected: yes. Observed: 1 variant allele.
Comment: ACMG Criteria: PVS1_MOD,PM2_SUP

NM_004408.4(DNM1):c.2319-2A>T

Genes: DNM1 (dynamin 1; plus strand), LOC130002698 (ATAC-STARR-seq lymphoblastoid silent region 20332; plus strand). Cytogenetic location: 9q34.11.
Variant type: single nucleotide variant.
Coding change: c.2319-2A>T on transcript NM_004408.4 (MANE Select); the canonical splice acceptor site of the intron before coding-DNA position 2319, A replaced by T.
Molecular consequence: splice acceptor variant.
Genome position (GRCh38, 1-based): chr9:128,250,723, A>T. VCF-style: chr9-128250723-A-T. GRCh37 (hg19) VCF-style: chr9-131013002-A-T.
Other names: c.2319-2A>T (NM_001005336.3, NM_001374269.1, NM_001288738.2 and 2 more transcripts).
Identifiers: ClinVar variation 4852376 (VCV004852376.1).
Genomic context (GRCh38, chr9:128,250,723, plus strand): 5'-CTCTGGGTGGGCGGAGCTGCTCATCTCGCCTCTCCTTGTTCCTCGCTCCCTGTCGCCCTC[A>T]GGTCGCCCACGTCCAGCCCCACGCCGCAGCGCCGAGCCCCCGCCGTGCCCCCAGCCCGGC-3'